The following is an entry in ClinVar:

ClinVar aggregate classification (germline): Conflicting classifications of pathogenicity. Review status: criteria provided, conflicting classifications (1 of 4 stars). 2 submissions from 2 submitters: Uncertain significance (1); Likely benign (1). Last evaluated 2024-10-01.

Allele frequency attached by ClinVar (database versions not stated): gnomAD exomes below 0.00001.

Submissions (2):

CeGaT Center for Human Genetics Tuebingen
Classification: Likely benign. Last evaluated: 2024-10-01. Review status: criteria provided, single submitter. Criteria: CeGaT Center For Human Genetics Tuebingen Variant Classification Criteria Version 2. Collection method: clinical testing. Allele origin: germline. Affected: yes. Observed: 1 variant allele.
Comment: SMARCC2: BP4, BP7

Laboratorio de Genetica e Diagnostico Molecular, Hospital Israelita Albert Einstein
Classification: Uncertain significance. Last evaluated: 2020-10-30. Review status: criteria provided, single submitter. Criteria: ACMG Guidelines, 2015. Collection method: clinical testing. Allele origin: germline. Affected: yes.
Comment: ACMG classification criteria: PM2, PM6, BP7

NM_001330288.2(SMARCC2):c.1353C>T (p.Asn451=)

Gene: SMARCC2 (SWI/SNF related BAF chromatin remodeling complex subunit C2; minus strand). Cytogenetic location: 12q13.2.
Variant type: single nucleotide variant.
Coding change: c.1353C>T on transcript NM_001330288.2 (MANE Select); coding-DNA position 1353, C replaced by T.
Protein change: p.Asn451=; no amino-acid change (asparagine 451 retained).
Molecular consequence: synonymous variant.
Genome position (GRCh38, 1-based): chr12:56,178,051, G>A on the plus strand (C>T on the coding strand, the complement: SMARCC2 is on the minus strand). VCF-style: chr12-56178051-G-A. GRCh37 (hg19) VCF-style: chr12-56571835-G-A.
Other names: c.1353C>T, p.Asn451= (NM_001130420.3, NM_003075.5, NM_139067.4).
Identifiers: ClinVar variation 1690947 (VCV001690947.16), dbSNP rs965519704, ClinGen allele CA237660387.